The following is an entry in ClinVar:

NM_000268.4(NF2):c.759G>T (p.Lys253Asn)

Gene: NF2 (NF2, moesin-ezrin-radixin like (MERLIN) tumor suppressor; plus strand). Cytogenetic location: 22q12.2.
Variant type: single nucleotide variant.
Coding change: c.759G>T on transcript NM_000268.4 (MANE Select); coding-DNA position 759, G replaced by T.
Protein change: p.Lys253Asn; replaces lysine 253 with asparagine.
Molecular consequence: missense variant. On other transcripts: non-coding transcript variant (1), intron variant (4).
Genome position (GRCh38, 1-based): chr22:29,661,288, G>T. VCF-style: chr22-29661288-G-T. GRCh37 (hg19) VCF-style: chr22-30057277-G-T.
Other names: c.645G>T, p.Lys215Asn (NM_001407053.1, NM_001407056.1); c.636G>T, p.Lys212Asn (NM_001407054.1, NM_001407058.1, NM_181829.3); c.633G>T, p.Lys211Asn (NM_001407055.1, NM_181828.3); c.759G>T, p.Lys253Asn (NM_001407060.1, NM_001407066.1, NM_016418.5 and 2 more transcripts); c.510G>T, p.Lys170Asn (NM_001407063.1, NM_001407064.1, NM_181830.3 and 1 more transcripts); c.225G>T, p.Lys75Asn (NM_001407065.1); c.528G>T, p.Lys176Asn (NM_001407067.1); c.675+3024G>T (NM_001407059.1, NM_001407057.1); and 2 more; short protein forms K170N, K211N, K75N, K176N, K215N, K253N, K212N.
Identifiers: ClinVar variation 3683469 (VCV003683469.3).

ClinVar aggregate classification (germline): Uncertain significance. Review status: criteria provided, multiple submitters, no conflicts (2 of 4 stars). 2 submissions from 2 submitters: Uncertain significance (2). Last evaluated 2026-05-12.

Conditions:
Neurofibromatosis, type 2 (SWNV). Also called: BILATERAL ACOUSTIC NEUROFIBROMATOSIS; NF2-Related Schwannomatosis; SCHWANNOMATOSIS, VESTIBULAR. Identifiers: Orphanet 637, MedGen C0027832, MONDO:0007039, OMIM 101000. Disease mechanism: loss of function.
Hereditary cancer-predisposing syndrome. Also called: Hereditary Cancer Syndrome; Hereditary neoplastic syndrome; Neoplastic Syndromes, Hereditary; Tumor predisposition. Identifiers: Orphanet 140162, MedGen C0027672, MeSH D009386, MONDO:0015356.

Submissions (2):

Ambry Genetics
Classification: Uncertain significance for Hereditary cancer-predisposing syndrome. Last evaluated: 2026-05-12. Review status: criteria provided, single submitter. Criteria: Ambry Variant Classification Scheme 2023. Collection method: clinical testing. Allele origin: germline.
Comment: The p.K253N variant (also known as c.759G>T), located in coding exon 8 of the NF2 gene, results from a G to T substitution at nucleotide position 759. The lysine at codon 253 is replaced by asparagine, an amino acid with similar properties. This amino acid position is highly conserved in available vertebrate species. In addition, this alteration is predicted to be tolerated by in silico analysis. Based on the available evidence, the clinical significance of this variant remains unclear.

Labcorp Genetics (formerly Invitae), Labcorp
Classification: Uncertain significance for Neurofibromatosis, type 2. Last evaluated: 2024-07-08. Review status: criteria provided, single submitter. Criteria: Invitae Variant Classification Sherloc (09022015). Collection method: clinical testing. Allele origin: germline.
Comment: This sequence change replaces lysine, which is basic and polar, with asparagine, which is neutral and polar, at codon 253 of the NF2 protein (p.Lys253Asn). This variant is not present in population databases (gnomAD no frequency). This variant has not been reported in the literature in individuals affected with NF2-related conditions. Advanced modeling of protein sequence and biophysical properties (such as structural, functional, and spatial information, amino acid conservation, physicochemical variation, residue mobility, and thermodynamic stability) performed at Invitae indicates that this missense variant is not expected to disrupt NF2 protein function with a negative predictive value of 80%. In summary, the available evidence is currently insufficient to determine the role of this variant in disease. Therefore, it has been classified as a Variant of Uncertain Significance.